The following is an entry in ClinVar:

NM_001082486.2(ACD):c.805C>T (p.Pro269Ser)

Gene: ACD (ACD shelterin complex subunit and telomerase recruitment factor; minus strand). Cytogenetic location: 16q22.1.
Variant type: single nucleotide variant.
Coding change: c.805C>T on transcript NM_001082486.2 (MANE Select); coding-DNA position 805, C replaced by T.
Protein change: p.Pro269Ser; replaces proline 269 with serine.
Molecular consequence: missense variant.
Genome position (GRCh38, 1-based): chr16:67,658,579, G>A on the plus strand (C>T on the coding strand, the complement: ACD is on the minus strand). VCF-style: chr16-67658579-G-A. GRCh37 (hg19) VCF-style: chr16-67692482-G-A.
Other names: c.796C>T, p.Pro266Ser (NM_022914.3); short protein forms P269S, P266S.
Identifiers: ClinVar variation 1781044 (VCV001781044.2), dbSNP rs1424707569, ClinGen allele CA396353191.

ClinVar aggregate classification (germline): Uncertain significance (1 of 4 stars; one submission).

Conditions:
Inborn genetic diseases. Identifiers: MedGen C0950123, MeSH D030342.

Allele frequency attached by ClinVar (database versions not stated): gnomAD exomes below 0.00001; gnomAD 0.00001.
gnomAD v4.1: 4 of 1,570,682 alleles (0.00025%); highest among the groups gnomAD compares: South Asian, 0.0024%; no homozygotes.

Submission:

Ambry Genetics
Classification: Uncertain significance for Inborn genetic diseases. Last evaluated: 2024-03-16. Review status: criteria provided, single submitter. Criteria: Ambry Variant Classification Scheme 2023. Collection method: clinical testing. Allele origin: germline.
Comment: The p.P355S variant (also known as c.1063C>T), located in coding exon 9 of the ACD gene, results from a C to T substitution at nucleotide position 1063. The proline at codon 355 is replaced by serine, an amino acid with similar properties. This amino acid position is conserved. In addition, this alteration is predicted to be tolerated by in silico analysis. Since supporting evidence is limited at this time, the clinical significance of this alteration remains unclear.